The following is an entry in ClinVar:

ClinVar aggregate classification (germline): Uncertain significance (1 of 4 stars; one submission).

Conditions:
Intellectual developmental disorder with speech delay, autism, and dysmorphic facies. Identifiers: MedGen C5231456, MONDO:0032864, OMIM 618672.

Submission:

Juno Genomics, Hangzhou Juno Genomics, Inc
Classification: Uncertain significance for Intellectual developmental disorder with speech delay, autism, and dysmorphic facies. Review status: criteria provided, single submitter. Criteria: ACMG Guidelines, 2015. Collection method: clinical testing. Allele origin: germline.
Comment: Absent from controls (or at extremely low frequency if recessive) in Genome Aggregation Database.;Missense variant in a gene that has a low rate of benign missense variation.

NM_014516.4(CNOT3):c.1522C>T (p.Pro508Ser)

Gene: CNOT3 (CCR4-NOT transcription complex subunit 3; plus strand). Cytogenetic location: 19q13.42.
Variant type: single nucleotide variant.
Coding change: c.1522C>T on transcript NM_014516.4 (MANE Select); coding-DNA position 1522, C replaced by T.
Protein change: p.Pro508Ser; replaces proline 508 with serine.
Molecular consequence: missense variant. On other transcripts: non-coding transcript variant (2).
Genome position (GRCh38, 1-based): chr19:54,149,675, C>T. VCF-style: chr19-54149675-C-T. GRCh37 (hg19) VCF-style: chr19-54653410-C-T.
Other names: c.979C>T, p.Pro327Ser (NM_001440659.1, NM_001440660.1); c.1525C>T, p.Pro509Ser (NM_001440661.1, NM_001440662.1, NM_001440663.1 and 3 more transcripts); c.1522C>T, p.Pro508Ser (NM_001440664.1, NM_001440654.1, NM_001440656.1 and 1 more transcripts); short protein forms P508S, P327S, P509S.
Identifiers: ClinVar variation 5006032 (VCV005006032.2).